The following is an entry in ClinVar:

ClinVar aggregate classification (germline): Conflicting classifications of pathogenicity. Review status: criteria provided, conflicting classifications (1 of 4 stars). 2 submissions from 2 submitters: Uncertain significance (1); Likely benign (1). Last evaluated 2025-10-13.

Conditions:
Inborn genetic diseases. Identifiers: MedGen C0950123, MeSH D030342.

gnomAD v4.1: 50 of 1,613,868 alleles (0.0031%); highest among the groups gnomAD compares: Non-Finnish European, 0.0042%; no homozygotes.

Submissions (2):

Labcorp Genetics (formerly Invitae), Labcorp
Classification: Uncertain significance. Last evaluated: 2025-10-13. Review status: criteria provided, single submitter. Criteria: Invitae Variant Classification Sherloc (09022015). Collection method: clinical testing. Allele origin: germline.
Comment: This sequence change replaces arginine, which is basic and polar, with cysteine, which is neutral and slightly polar, at codon 210 of the ABL1 protein (p.Arg210Cys). The frequency data for this variant in the population databases is considered unreliable, as metrics indicate poor data quality at this position in the gnomAD database. This variant has not been reported in the literature in individuals affected with ABL1-related conditions. ClinVar contains an entry for this variant (Variation ID: 3436008). Invitae Evidence Modeling of protein sequence and biophysical properties (such as structural, functional, and spatial information, amino acid conservation, physicochemical variation, residue mobility, and thermodynamic stability) has been performed for this missense variant. However, the output from this modeling did not meet the statistical confidence thresholds required to predict the impact of this variant on ABL1 protein function. In summary, the available evidence is currently insufficient to determine the role of this variant in disease. Therefore, it has been classified as a Variant of Uncertain Significance.

Ambry Genetics
Classification: Likely benign for Inborn genetic diseases. Last evaluated: 2024-10-08. Review status: criteria provided, single submitter. Criteria: Ambry Variant Classification Scheme 2023. Collection method: clinical testing. Allele origin: germline.

NM_005157.6(ABL1):c.571C>T (p.Arg191Cys)

Gene: ABL1 (ABL proto-oncogene 1, non-receptor tyrosine kinase; plus strand). Cytogenetic location: 9q34.12.
Variant type: single nucleotide variant.
Coding change: c.571C>T on transcript NM_005157.6 (MANE Select); coding-DNA position 571, C replaced by T.
Protein change: p.Arg191Cys; replaces arginine 191 with cysteine.
Molecular consequence: missense variant.
Genome position (GRCh38, 1-based): chr9:130,862,784, C>T. VCF-style: chr9-130862784-C-T. GRCh37 (hg19) VCF-style: chr9-133738171-C-T.
Other names: c.628C>T, p.Arg210Cys (NM_007313.3); short protein forms R191C, R210C.
Identifiers: ClinVar variation 3436008 (VCV003436008.2).
Genomic context (GRCh38, chr9:130,862,784, plus strand): 5'-TGTCTCTGTGGGCTGAAGGCTGTTCCCTGTTTCCTTCAGCTCTACGTCTCCTCCGAGAGC[C>T]GCTTCAACACCCTGGCCGAGTTGGTTCATCATCATTCAACGGTGGCCGACGGGCTCATCA-3'
Protein context (NP_005148.2, residues 181-201): DGKLYVSSES[Arg191Cys]FNTLAELVHH